The following is an entry in ClinVar:

NM_001195248.2(APTX):c.796C>T (p.Gln266Ter)

Gene: APTX (aprataxin; minus strand). Cytogenetic location: 9p21.1.
Variant type: single nucleotide variant.
Coding change: c.796C>T on transcript NM_001195248.2 (MANE Select); coding-DNA position 796, C replaced by T.
Protein change: p.Gln266Ter; replaces glutamine 266 with a stop codon.
Molecular consequence: nonsense. On other transcripts: non-coding transcript variant (13).
Genome position (GRCh38, 1-based): chr9:32,974,536, G>A on the plus strand (C>T on the coding strand, the complement: APTX is on the minus strand). VCF-style: chr9-32974536-G-A. GRCh37 (hg19) VCF-style: chr9-32974534-G-A.
Other names: c.796C>T, p.Gln266Ter (NM_001368996.1, NM_001368997.1, NM_001368998.1 and 6 more transcripts); c.634C>T, p.Gln212Ter (NM_001369000.1, NM_001195250.2, NM_001195254.2 and 1 more transcripts); c.580C>T, p.Gln194Ter (NM_001195252.2); c.532C>T, p.Gln178Ter (NM_001369006.1, NM_001370669.1, NM_001370670.1 and 5 more transcripts); c.274C>T, p.Gln92Ter (NM_175071.1); short protein forms Q212*, Q266*, Q194*, Q178*, Q92*.
Identifiers: ClinVar variation 2804720 (VCV002804720.3), dbSNP rs752700668, ClinGen allele CA5022304.
Genomic context (GRCh38, chr9:32,974,536, plus strand): 5'-ATTCTGTATTGAAAGAATTCCAATGTTTTTTGTTTTTAAGGCAAGGAGAATCAAAATCCT[G>A]GCTGATCACATGAAGATGTACATGGCTAGTTGAAAGAAAAAAAAACTGAGCATTAAACTC-3'

ClinVar aggregate classification (germline): Pathogenic (1 of 4 stars; one submission).

Allele frequency attached by ClinVar (database versions not stated): TOPMed below 0.00001; gnomAD 0.00001; gnomAD exomes 0.00001; ExAC 0.00003.
gnomAD v4.1: 11 of 1,610,568 alleles (0.00068%); highest among the groups gnomAD compares: Non-Finnish European, 0.00093%; no homozygotes.

Submission:

Labcorp Genetics (formerly Invitae), Labcorp
Classification: Pathogenic. Last evaluated: 2024-07-27. Review status: criteria provided, single submitter. Criteria: Invitae Variant Classification Sherloc (09022015). Collection method: clinical testing. Allele origin: germline.
Comment: This sequence change creates a premature translational stop signal (p.Gln266*) in the APTX gene. It is expected to result in an absent or disrupted protein product. Loss-of-function variants in APTX are known to be pathogenic (PMID: 15719174, 21465257, 23183622, 26285866). This variant is present in population databases (rs752700668, gnomAD 0.004%). This variant has not been reported in the literature in individuals affected with APTX-related conditions. Algorithms developed to predict the effect of sequence changes on RNA splicing suggest that this variant may disrupt the consensus splice site. For these reasons, this variant has been classified as Pathogenic.

Literature cited by the submitters: PubMed 15719174; PubMed 21465257; PubMed 23183622; PubMed 26285866.